The following is an entry in ClinVar:

ClinVar aggregate classification (germline): Uncertain significance. Review status: criteria provided, multiple submitters, no conflicts (2 of 4 stars). 2 submissions from 2 submitters: Uncertain significance (2). Last evaluated 2024-05-23.

Conditions:
Arrhythmogenic right ventricular dysplasia 10. Also called: Arrhythmogenic Right Ventricular Dysplasia/Cardiomyopathy10; ARRHYTHMOGENIC RIGHT VENTRICULAR DYSPLASIA, FAMILIAL, 10; Arrhythmogenic right ventricular dysplasia/cardiomyopathy, type 10. Identifiers: MedGen C1857777, MONDO:0012434, OMIM 610193.

Submissions (2):

GeneDx
Classification: Uncertain significance. Last evaluated: 2024-05-23. Review status: criteria provided, single submitter. Criteria: GeneDx Variant Classification Process June 2021. Collection method: clinical testing. Allele origin: germline. Affected: yes.
Comment: Not observed at significant frequency in large population cohorts (gnomAD); In silico analysis indicates that this missense variant does not alter protein structure/function; Has not been previously published as pathogenic or benign to our knowledge

Clinical Genomics Laboratory, Stanford Medicine
Classification: Uncertain significance for Arrhythmogenic right ventricular dysplasia 10. Last evaluated: 2022-11-02. Review status: criteria provided, single submitter. Criteria: ACMG Guidelines, 2015. Collection method: clinical testing. Allele origin: germline. Observed: 1 variant allele, 1 heterozygote.
Comment: The p.Pro1064Arg variant in the DSG2 gene has not been previously reported in association with disease. This variant was absent from large population databases, including the Genome Aggregation Database. The proline at position 1064 is moderately evolutionarily conserved. Computational tools predict that the p.Pro1064Arg variant is neither deleterious nor benign; however, the accuracy of in silico algorithms is limited. These data were assessed using the ACMG/AMP variant interpretation guidelines. In summary, the significance of the p.Pro1064Arg variant is uncertain. Additional information is needed to resolve the significance of this variant. [ACMG evidence codes used: PM2]_x000D_

NM_001943.5(DSG2):c.3191C>G (p.Pro1064Arg)

Genes: DSG2 (desmoglein 2; plus strand), DSG2-AS1 (DSG2 antisense RNA 1; minus strand). Cytogenetic location: 18q12.1.
Variant type: single nucleotide variant.
Coding change: c.3191C>G on transcript NM_001943.5 (MANE Select); coding-DNA position 3191, C replaced by G.
Protein change: p.Pro1064Arg; replaces proline 1064 with arginine.
Molecular consequence: missense variant.
Genome position (GRCh38, 1-based): chr18:31,546,577, C>G. VCF-style: chr18-31546577-C-G. GRCh37 (hg19) VCF-style: chr18-29126540-C-G.
Other names: short protein forms P1064R.
Identifiers: ClinVar variation 3381678 (VCV003381678.2).
Genomic context (GRCh38, chr18:31,546,577, plus strand): 5'-TGACAGTGACAGAAAGAGTTCTAGCACCTGCTTCCACTCTGCAATCCAGTTACCAGATTC[C>G]CACTGAAAATTCTATGACGGCTAGGAACACCACGGTGTCTGGAGCTGGAGTCCCTGGCCC-3'
Protein context (NP_001934.2, residues 1054-1074): ASTLQSSYQI[Pro1064Arg]TENSMTARNT